The following is an entry in ClinVar:

ClinVar aggregate classification (germline): Likely benign. Review status: criteria provided, multiple submitters, no conflicts (2 of 4 stars). 3 submissions from 3 submitters: Likely benign (2). 1 of the submissions does not count toward it. Last evaluated 2025-08-23.

Conditions:
Charcot-Marie-Tooth disease dominant intermediate E. Also called: CHARCOT-MARIE-TOOTH NEUROPATHY WITH FOCAL SEGMENTAL GLOMERULONEPHRITIS. Identifiers: Orphanet 93114, MedGen C4302667, MONDO:0013758, OMIM 614455.
Focal segmental glomerulosclerosis 5 (FSGS5). Identifiers: Orphanet 656, MedGen C2750475, MONDO:0013191, OMIM 613237.
INF2-related disorder. Also called: INF2-related condition.
Focal segmental glomerulosclerosis (FSGS). Also called: Glomerulosclerosis, focal; Focal sclerosis with hyalinosis. Identifiers: MedGen C0017668, MONDO:0100313, HP:0000097. Disease mechanism: loss of function.

Allele frequency attached by ClinVar (database versions not stated): TOPMed below 0.00001; gnomAD exomes 0.00003; ExAC 0.00005.

Submissions (3):

Labcorp Genetics (formerly Invitae), Labcorp
Classification: Likely benign for Charcot-Marie-Tooth disease dominant intermediate E; Focal segmental glomerulosclerosis 5. Last evaluated: 2025-08-23. Review status: criteria provided, single submitter. Criteria: Invitae Variant Classification Sherloc (09022015). Collection method: clinical testing. Allele origin: germline.

Genome Diagnostics Laboratory, The Hospital for Sick Children
Classification: Likely benign for Focal segmental glomerulosclerosis. Last evaluated: 2019-12-01. Review status: criteria provided, single submitter. Criteria: ACMG Guidelines, 2015. Collection method: clinical testing. Allele origin: germline.

PreventionGenetics, part of Exact Sciences
Classification: Likely benign for INF2-related condition. Last evaluated: 2020-04-02. Review status: no assertion criteria provided. Collection method: clinical testing. Allele origin: germline. Not counted in ClinVar's aggregate classification.
Comment: This variant is classified as likely benign based on ACMG/AMP sequence variant interpretation guidelines (Richards et al. 2015 PMID: 25741868, with internal and published modifications).

NM_022489.4(INF2):c.3435C>T (p.Ala1145=)

Gene: INF2 (inverted formin 2; plus strand). Cytogenetic location: 14q32.33.
Variant type: single nucleotide variant.
Coding change: c.3435C>T on transcript NM_022489.4 (MANE Select); coding-DNA position 3435, C replaced by T.
Protein change: p.Ala1145=; no amino-acid change (alanine 1145 retained).
Molecular consequence: synonymous variant.
Genome position (GRCh38, 1-based): chr14:104,714,597, C>T. VCF-style: chr14-104714597-C-T. GRCh37 (hg19) VCF-style: chr14-105180934-C-T.
Other names: c.3435C>T, p.Ala1145= (NM_001031714.4).
Identifiers: ClinVar variation 1613447 (VCV001613447.12), dbSNP rs780026536, ClinGen allele CA7373251.